The following is an entry in ClinVar:

ClinVar aggregate classification (germline): Likely benign (0 of 4 stars; one submission).

Conditions:
HLTF-related disorder. Also called: HLTF-related condition.

Allele frequency attached by ClinVar (database versions not stated): 1000 Genomes Project 30x 0.00094; 1000 Genomes Project 0.00100; TOPMed 0.00252; gnomAD 0.00268; ESP Exome Variant Server 0.00292; ExAC 0.00417; gnomAD exomes 0.00477.

Submission:

PreventionGenetics, part of Exact Sciences
Classification: Likely benign for HLTF-related condition. Last evaluated: 2020-12-23. Review status: no assertion criteria provided. Collection method: clinical testing. Allele origin: germline.
Comment: This variant is classified as likely benign based on ACMG/AMP sequence variant interpretation guidelines (Richards et al. 2015 PMID: 25741868, with internal and published modifications).

NM_003071.4(HLTF):c.2440C>T (p.Pro814Ser)

Gene: HLTF (helicase like transcription factor; minus strand). Cytogenetic location: 3q24.
Variant type: single nucleotide variant.
Coding change: c.2440C>T on transcript NM_003071.4 (MANE Select); coding-DNA position 2440, C replaced by T.
Protein change: p.Pro814Ser; replaces proline 814 with serine.
Molecular consequence: missense variant.
Genome position (GRCh38, 1-based): chr3:149,040,093, G>A on the plus strand (C>T on the coding strand, the complement: HLTF is on the minus strand). VCF-style: chr3-149040093-G-A. GRCh37 (hg19) VCF-style: chr3-148757880-G-A.
Other names: c.2437C>T, p.Pro813Ser (NM_001318934.2); c.2440C>T, p.Pro814Ser (NM_001318935.2, NM_139048.3); short protein forms P813S, P814S.
Identifiers: ClinVar variation 3041292 (VCV003041292.2), dbSNP rs61750364, ClinGen allele CA2658931.
Genomic context (GRCh38, chr3:149,040,093, plus strand): 5'-TTGAACTGGATGTCCATTCCATATCAGACTTTTTCTCACTGTCACGTGCTAATTCTTCTG[G>A]AGGACATTCTAATAAATTATCTTCATGTATATCATTTCTGCATAAAGGGCATTTAGCATG-3'
Protein context (NP_003062.2, residues 804-824): IHEDNLLECP[Pro814Ser]EELARDSEKK